The following is an entry in ClinVar:

ClinVar aggregate classification (germline): Conflicting classifications of pathogenicity. Review status: criteria provided, conflicting classifications (1 of 4 stars). 2 submissions from 2 submitters: Pathogenic (1); Uncertain significance (1). Last evaluated 2013-02-08.

Conditions:
Diabetes mellitus. Also called: Diabetes mellitus (disease). Identifiers: MedGen C0011849, MONDO:0005015, HP:0000819.
Maturity-onset diabetes of the young (MODY). Also called: Maturity onset diabetes mellitus in young. Identifiers: Orphanet 552, MedGen C0342276, MONDO:0018911, HP:0004904.

Submissions (2):

Genetic Services Laboratory, University of Chicago
Classification: Pathogenic for Diabetes mellitus. Last evaluated: 2013-02-08. Review status: criteria provided, single submitter. Criteria: ACMG Guidelines, 2007. Collection method: clinical testing. Allele origin: germline. Inheritance: Autosomal unknown. Affected: yes.

Clinical Genomics, Uppaluri K&H Personalized Medicine Clinic
Classification: Uncertain significance for Maturity-onset diabetes of the young. Review status: criteria provided, single submitter. Criteria: K&H Uppaluri Personalized Medicine Clinic Variant Classification & Assertion Criteria. Collection method: research. Allele origin: somatic. Inheritance: Autosomal dominant inheritance.
Comment: Mutations in KCNJ11 gene can cause decreased production and secretion of insulin. This can lead to MODY which may be responsive to oral sulfonylureas. It is also associated with Neonatal Diabetes. However, no sufficient evidence is found to ascertain the role of rs587783675 variant in MODY yet.

Literature cited by the submitters: PubMed 26448950 (cited by Clinical Genomics, Uppaluri K&H Personalized Medicine Clinic); PubMed 15580558 (cited by Clinical Genomics, Uppaluri K&H Personalized Medicine Clinic); PubMed 15718250 (cited by Clinical Genomics, Uppaluri K&H Personalized Medicine Clinic).

NM_000525.4(KCNJ11):c.988T>C (p.Tyr330His)

Gene: KCNJ11 (potassium inwardly rectifying channel subfamily J member 11; minus strand). Cytogenetic location: 11p15.1.
Variant type: single nucleotide variant.
Coding change: c.988T>C on transcript NM_000525.4 (MANE Select); coding-DNA position 988, T replaced by C.
Protein change: p.Tyr330His; replaces tyrosine 330 with histidine.
Molecular consequence: missense variant.
Genome position (GRCh38, 1-based): chr11:17,387,104, A>G on the plus strand (T>C on the coding strand, the complement: KCNJ11 is on the minus strand). VCF-style: chr11-17387104-A-G. GRCh37 (hg19) VCF-style: chr11-17408651-A-G.
Other names: c.727T>C, p.Tyr243His (NM_001166290.2, NM_001377296.1, NM_001377297.1); short protein forms Y330H, Y243H.
Identifiers: ClinVar variation 158688 (VCV000158688.7), dbSNP rs587783675, ClinGen allele CA172354.